The following is an entry in ClinVar:

NM_177438.3(DICER1):c.2263G>C (p.Glu755Gln)

Gene: DICER1 (dicer 1, ribonuclease III; minus strand). Cytogenetic location: 14q32.13.
Variant type: single nucleotide variant.
Coding change: c.2263G>C on transcript NM_177438.3 (MANE Select); coding-DNA position 2263, G replaced by C.
Protein change: p.Glu755Gln; replaces glutamic acid 755 with glutamine.
Molecular consequence: missense variant. On other transcripts: non-coding transcript variant (6).
Genome position (GRCh38, 1-based): chr14:95,108,497, C>G on the plus strand (G>C on the coding strand, the complement: DICER1 is on the minus strand). VCF-style: chr14-95108497-C-G. GRCh37 (hg19) VCF-style: chr14-95574834-C-G.
Other names: c.2263G>C, p.Glu755Gln (NM_001395679.1, NM_001395680.1, NM_001395682.1 and 12 more transcripts); c.1981G>C, p.Glu661Gln (NM_001395686.1); c.1858G>C, p.Glu620Gln (NM_001395687.1, NM_001395688.1, NM_001395689.1 and 2 more transcripts); c.1696G>C, p.Glu566Gln (NM_001395691.1); c.580G>C, p.Glu194Gln (NM_001395697.1); short protein forms E194Q, E566Q, E755Q, E620Q, E661Q.
Identifiers: ClinVar variation 4746773 (VCV004746773.1).
Genomic context (GRCh38, chr14:95,108,497, plus strand): 5'-TTCCTATCACATACAGGTAACAGGGCTGATCAGGTCTGGGATAACTATCCCTCAAACACT[C>G]TGGAATCTAGAGTTGGAAAGGAAAATTAAGCGTCATGCTCAAGCATATTAGCCTCTTTTC-3'
Protein context (NP_803187.1, residues 745-765): RRQCYPKAIP[Glu755Gln]CLRDSYPRPD

ClinVar aggregate classification (germline): Uncertain significance (1 of 4 stars; one submission).

Conditions:
DICER1-related tumor predisposition. Also called: DICER1-related pleuropulmonary blastoma cancer predisposition syndrome; DICER1 syndrome. Identifiers: Orphanet 284343, MedGen C3839822, MONDO:0100216.

gnomAD v4.1: 1 of 1,614,102 alleles (0.000062%); highest among the groups gnomAD compares: Non-Finnish European, 0.000085%; no homozygotes.

Submission:

Labcorp Genetics (formerly Invitae), Labcorp
Classification: Uncertain significance for DICER1-related tumor predisposition. Last evaluated: 2025-11-02. Review status: criteria provided, single submitter. Criteria: Invitae Variant Classification Sherloc (09022015). Collection method: clinical testing. Allele origin: germline.
Comment: This sequence change replaces glutamic acid, which is acidic and polar, with glutamine, which is neutral and polar, at codon 755 of the DICER1 protein (p.Glu755Gln). This variant is not present in population databases (gnomAD no frequency). This variant has not been reported in the literature in individuals affected with DICER1-related conditions. Invitae Evidence Modeling of protein sequence and biophysical properties (such as structural, functional, and spatial information, amino acid conservation, physicochemical variation, residue mobility, and thermodynamic stability) indicates that this missense variant is not expected to disrupt DICER1 protein function with a negative predictive value of 95%. In summary, the available evidence is currently insufficient to determine the role of this variant in disease. Therefore, it has been classified as a Variant of Uncertain Significance.